The following is an entry in ClinVar:

ClinVar aggregate classification (germline): Uncertain significance. Review status: criteria provided, multiple submitters, no conflicts (2 of 4 stars). 3 submissions from 3 submitters: Uncertain significance (3). Last evaluated 2026-01-31.

Conditions:
Hypertrophic cardiomyopathy. Also called: HYPERTROPHIC MYOCARDIOPATHY. Identifiers: Orphanet 217569, MedGen C0007194, MeSH D002312, MONDO:0005045, HP:0001639.
Cardiomyopathy (CMYO). Also called: Cardiomyopathies. Identifiers: Orphanet 167848, MedGen C0878544, MONDO:0004994, HP:0001638. Inheritance: Various modes of inheritance.

Allele frequency attached by ClinVar (database versions not stated): gnomAD exomes below 0.00001.
gnomAD v4.1: 2 of 1,614,148 alleles (0.00012%); highest among the groups gnomAD compares: East Asian, 0.0045%; no homozygotes.

Submissions (3):

Labcorp Genetics (formerly Invitae), Labcorp
Classification: Uncertain significance for Hypertrophic cardiomyopathy. Last evaluated: 2026-01-31. Review status: criteria provided, single submitter. Criteria: Invitae Variant Classification Sherloc (09022015). Collection method: clinical testing. Allele origin: germline.
Comment: This sequence change replaces glutamic acid, which is acidic and polar, with aspartic acid, which is acidic and polar, at codon 273 of the TPM1 protein (p.Glu273Asp). This variant is not present in population databases (gnomAD no frequency). This variant has not been reported in the literature in individuals affected with TPM1-related conditions. ClinVar contains an entry for this variant (Variation ID: 3069284). An algorithm developed to predict the effect of missense changes on protein structure and function (PolyPhen-2) suggests that this variant is likely to be tolerated. In summary, the available evidence is currently insufficient to determine the role of this variant in disease. Therefore, it has been classified as a Variant of Uncertain Significance.

Color Diagnostics, LLC DBA Color Health
Classification: Uncertain significance for Cardiomyopathy. Last evaluated: 2025-07-17. Review status: criteria provided, single submitter. Criteria: ACMG Guidelines, 2015. Collection method: clinical testing. Allele origin: germline.
Comment: This missense variant replaces glutamic acid with aspartic acid at codon 273 of the TPM1 protein. Computational prediction suggests that this variant may not impact protein structure and function. To our knowledge, functional studies have not been reported for this variant. This variant has not been reported in individuals affected with TPM1-related disorders in the literature. This variant has not been identified in the general population by the Genome Aggregation Database (gnomAD). The available evidence is insufficient to determine the role of this variant in disease conclusively. Therefore, this variant is classified as a Variant of Uncertain Significance.

All of Us Research Program, National Institutes of Health
Classification: Uncertain significance for Hypertrophic cardiomyopathy. Last evaluated: 2023-12-01. Review status: criteria provided, single submitter. Criteria: ACMG Guidelines, 2015. Collection method: clinical testing. Allele origin: germline. Inheritance: Autosomal dominant inheritance. Observed: 1 variant allele, 1 heterozygote.
Comment: This study involves interpretation of variants in research participants for the purpose of population health screening. Participant phenotype was not available at the time of variant classification. Additional details can be found in publication PMID: 35346344, PMCID: PMC8962531

NM_001018005.2(TPM1):c.819G>T (p.Glu273Asp)

Gene: TPM1 (tropomyosin 1; plus strand). Cytogenetic location: 15q22.2.
Variant type: single nucleotide variant.
Coding change: c.819G>T on transcript NM_001018005.2 (MANE Select); coding-DNA position 819, G replaced by T.
Protein change: p.Glu273Asp; replaces glutamic acid 273 with aspartic acid.
Molecular consequence: missense variant. On other transcripts: 3 prime UTR variant (3), non-coding transcript variant (7), intron variant (18).
Genome position (GRCh38, 1-based): chr15:63,064,110, G>T. VCF-style: chr15-63064110-G-T. GRCh37 (hg19) VCF-style: chr15-63356309-G-T.
Other names: c.819G>T, p.Glu273Asp (NM_000366.6, NM_001301244.2, NM_001365779.1 and 8 more transcripts); c.711G>T, p.Glu237Asp (NM_001330346.2, NM_001365781.2, NM_001365782.1 and 1 more transcripts); c.945G>T, p.Glu315Asp (NM_001407322.1, NM_001407323.1, NM_001407324.1); c.*1301G>T (NM_001407325.1, NM_001407340.1, NM_001407341.1); c.898+1465G>T (NM_001365778.1); c.772+1465G>T (NM_001407336.1, NM_001018020.2, NM_001407338.1 and 8 more transcripts); c.664+1465G>T (NM_001330351.2, NM_001330344.2, NM_001018008.2 and 3 more transcripts); short protein forms E237D, E273D, E315D.
Identifiers: ClinVar variation 3069284 (VCV003069284.4), dbSNP rs2542883376, ClinGen allele CA392725166.
Genomic context (GRCh38, chr15:63,064,110, plus strand): 5'-CTTCCTGGTCATAGACGAGCTGTACGCTCAGAAACTGAAGTACAAAGCCATCAGCGAGGA[G>T]CTGGACCACGCTCTCAACGATATGACTTCCATGTAAACGTTCATCCACTCTGCCTGCTTA-3'
Protein context (NP_001018005.1, residues 263-283): QKLKYKAISE[Glu273Asp]LDHALNDMTS